The following is an entry in ClinVar:

ClinVar aggregate classification (germline): Uncertain significance (1 of 4 stars; one submission).

Conditions:
Inborn genetic diseases. Identifiers: MedGen C0950123, MeSH D030342.

Submission:

Ambry Genetics
Classification: Uncertain significance for Inborn genetic diseases. Last evaluated: 2021-07-14. Review status: criteria provided, single submitter. Criteria: Ambry Variant Classification Scheme 2023. Collection method: clinical testing. Allele origin: germline.
Comment: The p.D129E variant (also known as c.387C>G), located in coding exon 3 of the IGHMBP2 gene, results from a C to G substitution at nucleotide position 387. The aspartic acid at codon 129 is replaced by glutamic acid, an amino acid with highly similar properties. This amino acid position is conserved. In addition, this alteration is predicted to be tolerated by in silico analysis. Since supporting evidence is limited at this time, the clinical significance of this alteration remains unclear.

NM_002180.3(IGHMBP2):c.387C>G (p.Asp129Glu)

Gene: IGHMBP2 (immunoglobulin mu DNA binding protein 2; plus strand). Cytogenetic location: 11q13.3.
Variant type: single nucleotide variant.
Coding change: c.387C>G on transcript NM_002180.3 (MANE Select); coding-DNA position 387, C replaced by G.
Protein change: p.Asp129Glu; replaces aspartic acid 129 with glutamic acid.
Molecular consequence: missense variant.
Genome position (GRCh38, 1-based): chr11:68,908,275, C>G. VCF-style: chr11-68908275-C-G. GRCh37 (hg19) VCF-style: chr11-68675743-C-G.
Other names: short protein forms D129E.
Identifiers: ClinVar variation 1735779 (VCV001735779.2), dbSNP rs2154006699, ClinGen allele CA381643272.